The following is an entry in ClinVar:

NM_032776.3(JMJD1C):c.6989T>C (p.Ile2330Thr)

Gene: JMJD1C (jumonji domain containing 1C; minus strand). Cytogenetic location: 10q21.3.
Variant type: single nucleotide variant.
Coding change: c.6989T>C on transcript NM_032776.3 (MANE Select); coding-DNA position 6989, T replaced by C.
Protein change: p.Ile2330Thr; replaces isoleucine 2330 with threonine.
Molecular consequence: missense variant. On other transcripts: non-coding transcript variant (1).
Genome position (GRCh38, 1-based): chr10:63,183,542, A>G on the plus strand (T>C on the coding strand, the complement: JMJD1C is on the minus strand). VCF-style: chr10-63183542-A-G. GRCh37 (hg19) VCF-style: chr10-64943302-A-G.
Other names: c.6443T>C, p.Ile2148Thr (NM_001282948.2, NM_001318154.2); c.6125T>C, p.Ile2042Thr (NM_001318153.2); c.6875T>C, p.Ile2292Thr (NM_001322252.2); c.6332T>C, p.Ile2111Thr (NM_001322254.2, NM_001322258.2); short protein forms I2330T, I2292T, I2042T, I2148T, I2111T.
Identifiers: ClinVar variation 460275 (VCV000460275.8), dbSNP rs1554828044, ClinGen allele CA377020484.
Genomic context (GRCh38, chr10:63,183,542, plus strand): 5'-CCAACATAAACTAGTATATTTACAACATCAGAAACTTCAATATGGAGATTTGTTGTTCCT[A>G]TATCATGATCTTTAGCAGCAACTACACCTGTATATAAAACAAAATTTTACTTGACAAAAT-3'
Protein context (NP_116165.1, residues 2320-2340): YGVVAAKDHD[Ile2330Thr]GTTNLHIEVS

ClinVar aggregate classification (germline): Uncertain significance (1 of 4 stars; one submission).

Conditions:
Early Myoclonic Encephalopathy. Identifiers: MedGen C0270855.

Allele frequency attached by ClinVar (database versions not stated): gnomAD exomes below 0.00001; TOPMed 0.00001; gnomAD 0.00001.
gnomAD v4.1: 7 of 1,600,368 alleles (0.00044%); highest among the groups gnomAD compares: Non-Finnish European, 0.0006%; no homozygotes.

Submission:

Labcorp Genetics (formerly Invitae), Labcorp
Classification: Uncertain significance for Early Myoclonic Encephalopathy. Last evaluated: 2025-08-06. Review status: criteria provided, single submitter. Criteria: Invitae Variant Classification Sherloc (09022015). Collection method: clinical testing. Allele origin: germline.
Comment: This sequence change replaces isoleucine, which is neutral and non-polar, with threonine, which is neutral and polar, at codon 2330 of the JMJD1C protein (p.Ile2330Thr). This variant is not present in population databases (gnomAD no frequency). This variant has not been reported in the literature in individuals affected with JMJD1C-related conditions. ClinVar contains an entry for this variant (Variation ID: 460275). An algorithm developed to predict the effect of missense changes on protein structure and function (PolyPhen-2) suggests that this variant is likely to be tolerated. In summary, the available evidence is currently insufficient to determine the role of this variant in disease. Therefore, it has been classified as a Variant of Uncertain Significance.